The following is an entry in ClinVar:

ClinVar aggregate classification (germline): Benign/Likely benign. Review status: criteria provided, multiple submitters, no conflicts (2 of 4 stars). 2 submissions from 2 submitters: Benign (1); Likely benign (1). Last evaluated 2026-04-24.

Conditions:
Colorectal cancer, susceptibility to, 1. Also called: COLORECTAL ADENOMA AND CANCER, SUSCEPTIBILITY TO; COLORECTAL CANCER, SUSCEPTIBILITY TO, ON CHROMOSOME 9. Identifiers: MedGen C1837315, MONDO:0012132, OMIM 608812.

gnomAD v4.1: 1 of 1,614,120 alleles (0.000062%); highest among the groups gnomAD compares: Non-Finnish European, 0.000085%; no homozygotes.

Submissions (2):

Myriad Genetics, Inc.
Classification: Benign for Colorectal cancer, susceptibility to, 1. Last evaluated: 2026-04-24. Review status: criteria provided, single submitter. Criteria: Myriad Autosomal Dominant, Autosomal Recessive and X-Linked Classification Criteria (2023). Collection method: clinical testing. Allele origin: unknown.
Comment: This variant is considered benign. This variant is a silent/synonymous amino acid change and it is not expected to impact splicing.

Ambry Genetics
Classification: Likely benign. Last evaluated: 2026-04-04. Review status: criteria provided, single submitter. Criteria: Ambry Variant Classification Scheme 2023. Collection method: clinical testing. Allele origin: germline.

NM_024642.5(GALNT12):c.1038C>A (p.Ile346=)

Gene: GALNT12 (polypeptide N-acetylgalactosaminyltransferase 12; plus strand). Cytogenetic location: 9q22.33.
Variant type: single nucleotide variant.
Coding change: c.1038C>A on transcript NM_024642.5 (MANE Select); coding-DNA position 1038, C replaced by A.
Protein change: p.Ile346=; no amino-acid change (isoleucine 346 retained).
Molecular consequence: synonymous variant.
Genome position (GRCh38, 1-based): chr9:98,836,974, C>A. VCF-style: chr9-98836974-C-A. GRCh37 (hg19) VCF-style: chr9-101599256-C-A.
Identifiers: ClinVar variation 4871641 (VCV004871641.2).